The following is an entry in ClinVar:

NM_004341.5(CAD):c.5296_5308del (p.Phe1766fs)

Gene: CAD (carbamoyl-phosphate synthetase 2, aspartate transcarbamylase, and dihydroorotase; plus strand). Cytogenetic location: 2p23.3.
Variant type: Deletion.
Coding change: c.5296_5308del on transcript NM_004341.5 (MANE Select); coding-DNA positions 5296 to 5308, 13 bases deleted (TTCTCCAAGGCCC).
Protein change: p.Phe1766fs; shifts the reading frame from phenylalanine 1766.
Molecular consequence: frameshift variant.
Genome position (GRCh38, 1-based): chr2:27,239,373-27,239,385, TTCTCCAAGGCCC deleted; deleting any 13 consecutive bases within chr2:27,239,369-27,239,385 gives the same sequence; the c. name uses the placement nearest the transcript's 3' end. VCF-style (leftmost placement, unchanged base first): chr2-27239368-TGCCCTTCTCCAAG-T. GRCh37 (hg19) VCF-style: chr2-27462236-TGCCCTTCTCCAAG-T.
Other names: c.5296_5308delTTCTCCAAGGCCC (NM_004341.3); c.5107_5119del, p.Phe1703fs (NM_001306079.2); c.5296_5308del (NM_004341.3); short protein forms F1766fs, F1703fs.
Identifiers: ClinVar variation 430523 (VCV000430523.7), dbSNP rs1019263242, ClinGen allele CA44515738.

ClinVar aggregate classification (germline): Pathogenic. Review status: criteria provided, multiple submitters, no conflicts (2 of 4 stars). 2 submissions from 2 submitters: Pathogenic (2). Last evaluated 2024-08-06.

Submissions (2):

GeneDx
Classification: Pathogenic. Last evaluated: 2024-08-06. Review status: criteria provided, single submitter. Criteria: GeneDx Variant Classification Process June 2021. Collection method: clinical testing. Allele origin: germline. Affected: yes.
Comment: Frameshift variant predicted to result in protein truncation or nonsense mediated decay in a gene for which loss of function is a known mechanism of disease; This variant is associated with the following publications: (PMID: 32820246, 32117025, 28007989, 34312540, 33497533)

Labcorp Genetics (formerly Invitae), Labcorp
Classification: Pathogenic. Last evaluated: 2023-02-19. Review status: criteria provided, single submitter. Criteria: Invitae Variant Classification Sherloc (09022015). Collection method: clinical testing. Allele origin: germline.
Comment: For these reasons, this variant has been classified as Pathogenic. ClinVar contains an entry for this variant (Variation ID: 430523). This premature translational stop signal has been observed in individual(s) with CAD-related conditions (PMID: 33497533). This variant is present in population databases (no rsID available, gnomAD 0.02%). This sequence change creates a premature translational stop signal (p.Phe1766Thrfs*10) in the CAD gene. It is expected to result in an absent or disrupted protein product. Loss-of-function variants in CAD are known to be pathogenic (PMID: 28007989, 32117025, 32820246, 33497533).

Literature cited by the submitters: PubMed 33497533 (cited by Labcorp Genetics (formerly Invitae), Labcorp); PubMed 28007989 (cited by Labcorp Genetics (formerly Invitae), Labcorp); PubMed 32117025 (cited by Labcorp Genetics (formerly Invitae), Labcorp); PubMed 32820246 (cited by Labcorp Genetics (formerly Invitae), Labcorp).